The following is an entry in ClinVar:

ClinVar aggregate classification (germline): Uncertain significance (1 of 4 stars; one submission).

Conditions:
Koolen-de Vries syndrome (KDVS). Identifiers: Orphanet 96169, MedGen C1864871, MONDO:0012496, OMIM 610443.

Allele frequency attached by ClinVar (database versions not stated): TOPMed below 0.00001.
gnomAD v4.1: 1 of 1,604,432 alleles (0.000062%); no homozygotes.

Submission:

Labcorp Genetics (formerly Invitae), Labcorp
Classification: Uncertain significance for Koolen-de Vries syndrome. Last evaluated: 2024-07-15. Review status: criteria provided, single submitter. Criteria: Invitae Variant Classification Sherloc (09022015). Collection method: clinical testing. Allele origin: germline.
Comment: This sequence change replaces alanine, which is neutral and non-polar, with glutamic acid, which is acidic and polar, at codon 541 of the KANSL1 protein (p.Ala541Glu). This variant is present in population databases (no rsID available, gnomAD no frequency). This variant has not been reported in the literature in individuals affected with KANSL1-related conditions. Advanced modeling of protein sequence and biophysical properties (such as structural, functional, and spatial information, amino acid conservation, physicochemical variation, residue mobility, and thermodynamic stability) performed at Invitae indicates that this missense variant is not expected to disrupt KANSL1 protein function with a negative predictive value of 80%. In summary, the available evidence is currently insufficient to determine the role of this variant in disease. Therefore, it has been classified as a Variant of Uncertain Significance.

NM_015443.4(KANSL1):c.1622C>A (p.Ala541Glu)

Gene: KANSL1 (KAT8 regulatory NSL complex subunit 1). Cytogenetic location: 17q21.31.
Variant type: single nucleotide variant.
Coding change: c.1622C>A on transcript NM_015443.4 (MANE Select); coding-DNA position 1622, C replaced by A.
Protein change: p.Ala541Glu; replaces alanine 541 with glutamic acid.
Molecular consequence: missense variant.
Genome position (GRCh38, 1-based): chr17:46,067,579, G>T on the plus strand (C>A on the coding strand, the complement: KANSL1 is on the minus strand). VCF-style: chr17-46067579-G-T. GRCh37 (hg19) VCF-style: chr17-44144945-G-T.
Other names: c.1622C>A, p.Ala541Glu (NM_001405873.1, NM_001405874.1, NM_001405875.1 and 14 more transcripts); c.1520C>A, p.Ala507Glu (NM_001405881.1, NM_001405859.1, NM_001405860.1 and 1 more transcripts); c.356C>A, p.Ala119Glu (NM_001405882.1, NM_001405883.1, NM_001405884.1 and 1 more transcripts); short protein forms A507E, A541E, A119E.
Identifiers: ClinVar variation 3004211 (VCV003004211.3), dbSNP rs1459925218, ClinGen allele CA399987464.